The following is an entry in ClinVar:

ClinVar aggregate classification (germline): Uncertain significance (1 of 4 stars; one submission).

Conditions:
Cardiovascular phenotype. Identifiers: MedGen CN230736.

gnomAD v4.1: 1 of 1,613,982 alleles (0.000062%); highest among the groups gnomAD compares: East Asian, 0.0022%; no homozygotes.

Submission:

Ambry Genetics
Classification: Uncertain significance for Cardiovascular phenotype. Last evaluated: 2024-12-28. Review status: criteria provided, single submitter. Criteria: Ambry Variant Classification Scheme 2023. Collection method: clinical testing. Allele origin: germline.
Comment: The p.H472Y variant (also known as c.1414C>T), located in coding exon 7 of the EPHB4 gene, results from a C to T substitution at nucleotide position 1414. The histidine at codon 472 is replaced by tyrosine, an amino acid with similar properties. This amino acid position is conserved. In addition, this alteration is predicted to be tolerated by in silico analysis. Based on the available evidence, the clinical significance of this variant remains unclear.

NM_004444.5(EPHB4):c.1414C>T (p.His472Tyr)

Gene: EPHB4 (EPH receptor B4; minus strand). Cytogenetic location: 7q22.1.
Variant type: single nucleotide variant.
Coding change: c.1414C>T on transcript NM_004444.5 (MANE Select); coding-DNA position 1414, C replaced by T.
Protein change: p.His472Tyr; replaces histidine 472 with tyrosine.
Molecular consequence: missense variant.
Genome position (GRCh38, 1-based): chr7:100,818,528, G>A on the plus strand (C>T on the coding strand, the complement: EPHB4 is on the minus strand). VCF-style: chr7-100818528-G-A. GRCh37 (hg19) VCF-style: chr7-100416150-G-A.
Other names: short protein forms H472Y.
Identifiers: ClinVar variation 3845464 (VCV003845464.1), dbSNP rs149712104.